The following is an entry in ClinVar:

ClinVar aggregate classification (germline): Conflicting classifications of pathogenicity. Review status: criteria provided, conflicting classifications (1 of 4 stars). 3 submissions from 3 submitters: Uncertain significance (1); Likely benign (2). Last evaluated 2024-07-09.

Allele frequency attached by ClinVar (database versions not stated): gnomAD exomes below 0.00001.
gnomAD v4.1: 6 of 1,608,602 alleles (0.00037%); highest among the groups gnomAD compares: Non-Finnish European, 0.00051%; no homozygotes.

Submissions (3):

Quest Diagnostics Nichols Institute San Juan Capistrano
Classification: Uncertain significance. Last evaluated: 2024-07-09. Review status: criteria provided, single submitter. Criteria: Quest Diagnostics criteria. Collection method: clinical testing. Allele origin: unknown.
Comment: The RECQL c.861T>C (p.Tyr287=) synonymous variant has not been reported in individuals with RECQL-related conditions in the published literature. It also has not been reported in large, multi-ethnic general populations (Genome Aggregation Database). Analysis of this variant using software algorithms for the prediction of the effect of nucleotide changes on splicing yielded predictions that this variant does not affect RECQL mRNA splicing. Based on the available information, we are unable to determine the clinical significance of this variant.

Labcorp Genetics (formerly Invitae), Labcorp
Classification: Likely benign. Last evaluated: 2023-10-10. Review status: criteria provided, single submitter. Criteria: Invitae Variant Classification Sherloc (09022015). Collection method: clinical testing. Allele origin: germline.

Ambry Genetics
Classification: Likely benign. Last evaluated: 2022-06-18. Review status: criteria provided, single submitter. Criteria: Ambry Variant Classification Scheme 2023. Collection method: clinical testing. Allele origin: germline.

NM_002907.4(RECQL):c.861T>C (p.Tyr287=)

Gene: RECQL (RecQ like helicase; minus strand). Cytogenetic location: 12p12.1.
Variant type: single nucleotide variant.
Coding change: c.861T>C on transcript NM_002907.4 (MANE Select); coding-DNA position 861, T replaced by C.
Protein change: p.Tyr287=; no amino-acid change (tyrosine 287 retained).
Molecular consequence: synonymous variant.
Genome position (GRCh38, 1-based): chr12:21,477,809, A>G on the plus strand (T>C on the coding strand, the complement: RECQL is on the minus strand). VCF-style: chr12-21477809-A-G. GRCh37 (hg19) VCF-style: chr12-21630743-A-G.
Other names: c.861T>C, p.Tyr287= (NM_032941.3).
Identifiers: ClinVar variation 1575553 (VCV001575553.11), dbSNP rs2137349691, ClinGen allele CA478871580.